The following is an entry in ClinVar:

NM_020754.4(ARHGAP31):c.4286A>G (p.Gln1429Arg)

Gene: ARHGAP31 (Rho GTPase activating protein 31; plus strand). Cytogenetic location: 3q13.33.
Variant type: single nucleotide variant.
Coding change: c.4286A>G on transcript NM_020754.4 (MANE Select); coding-DNA position 4286, A replaced by G.
Protein change: p.Gln1429Arg; replaces glutamine 1429 with arginine.
Molecular consequence: missense variant.
Genome position (GRCh38, 1-based): chr3:119,416,215, A>G. VCF-style: chr3-119416215-A-G. GRCh37 (hg19) VCF-style: chr3-119135062-A-G.
Other names: short protein forms Q1429R.
Identifiers: ClinVar variation 3010853 (VCV003010853.3), dbSNP rs772478706, ClinGen allele CA2554327.

ClinVar aggregate classification (germline): Uncertain significance (1 of 4 stars; one submission).

Allele frequency attached by ClinVar (database versions not stated): ExAC 0.00001.
gnomAD v4.1: 1 of 1,614,224 alleles (0.000062%); highest among the groups gnomAD compares: Non-Finnish European, 0.000085%; no homozygotes.

Submission:

Labcorp Genetics (formerly Invitae), Labcorp
Classification: Uncertain significance. Last evaluated: 2023-11-06. Review status: criteria provided, single submitter. Criteria: Invitae Variant Classification Sherloc (09022015). Collection method: clinical testing. Allele origin: germline.
Comment: This sequence change replaces glutamine, which is neutral and polar, with arginine, which is basic and polar, at codon 1429 of the ARHGAP31 protein (p.Gln1429Arg). The frequency data for this variant in the population databases is considered unreliable, as metrics indicate poor data quality at this position in the gnomAD database. This variant has not been reported in the literature in individuals affected with ARHGAP31-related conditions. An algorithm developed to predict the effect of missense changes on protein structure and function (PolyPhen-2) suggests that this variant is likely to be disruptive. In summary, the available evidence is currently insufficient to determine the role of this variant in disease. Therefore, it has been classified as a Variant of Uncertain Significance.